The following is an entry in ClinVar:

ClinVar aggregate classification (germline): Uncertain significance. Review status: criteria provided, multiple submitters, no conflicts (2 of 4 stars). 2 submissions from 2 submitters: Uncertain significance (2). Last evaluated 2021-06-17.

Conditions:
Hereditary cancer-predisposing syndrome. Also called: Neoplastic Syndromes, Hereditary; Tumor predisposition; Hereditary Cancer Syndrome; Hereditary neoplastic syndrome. Identifiers: Orphanet 140162, MedGen C0027672, MeSH D009386, MONDO:0015356.

Submissions (2):

Labcorp Genetics (formerly Invitae), Labcorp
Classification: Uncertain significance for Hereditary cancer-predisposing syndrome. Last evaluated: 2021-06-17. Review status: criteria provided, single submitter. Criteria: Invitae Variant Classification Sherloc (09022015). Collection method: clinical testing. Allele origin: germline.
Comment: In summary, the available evidence is currently insufficient to determine the role of this variant in disease. Therefore, it has been classified as a Variant of Uncertain Significance. Algorithms developed to predict the effect of missense changes on protein structure and function (SIFT, PolyPhen-2, Align-GVGD) all suggest that this variant is likely to be tolerated, but these predictions have not been confirmed by published functional studies and their clinical significance is uncertain. This variant has not been reported in the literature in individuals with RAD50-related conditions. ClinVar contains an entry for this variant (Variation ID: 232399). This variant is not present in population databases (ExAC no frequency). This sequence change replaces tyrosine with phenylalanine at codon 1081 of the RAD50 protein (p.Tyr1081Phe). The tyrosine residue is moderately conserved and there is a small physicochemical difference between tyrosine and phenylalanine.

Ambry Genetics
Classification: Uncertain significance for Hereditary cancer-predisposing syndrome. Last evaluated: 2015-06-15. Review status: criteria provided, single submitter. Criteria: Ambry Autosomal Dominant and X-Linked criteria (10/2015). Collection method: clinical testing. Allele origin: germline. Observed: 1 variant allele.
Comment: Thep.Y1081F variant (also known as c.3242A>T), located in coding exon 21 of theRAD50 gene, results from an A to T substitution at nucleotide position 3242. The tyrosine at codon 1081 is replaced by phenylalanine, an amino acid with highly similar properties. This variant was not reported in population based cohorts in the following databases: Database of Single Nucleotide Polymorphisms (dbSNP), NHLBI Exome Sequencing Project (ESP), and 1000 Genomes Project. In the ESP, this variant was not observed in 6502 samples (13004 alleles) with coverage at this position. To date, this alteration has been detected with an allele frequency of approximately 0.002% (greater than 65000 alleles tested) in our clinical cohort. This amino acid position is well conserved in available vertebrate species. In addition, this alteration is predicted to be tolerated by in silico analysis. Since supporting evidence is limited at this time, the clinical significance of p.Y1081F remains unclear.

NM_005732.4(RAD50):c.3242A>T (p.Tyr1081Phe)

Gene: RAD50 (RAD50 double strand break repair protein; plus strand). Cytogenetic location: 5q31.1.
Variant type: single nucleotide variant.
Coding change: c.3242A>T on transcript NM_005732.4 (MANE Select); coding-DNA position 3242, A replaced by T.
Protein change: p.Tyr1081Phe; replaces tyrosine 1081 with phenylalanine.
Molecular consequence: missense variant.
Genome position (GRCh38, 1-based): chr5:132,618,147, A>T. VCF-style: chr5-132618147-A-T. GRCh37 (hg19) VCF-style: chr5-131953839-A-T.
Other names: short protein forms Y1081F.
Identifiers: ClinVar variation 232399 (VCV000232399.13), dbSNP rs876659742, ClinGen allele CA10578596.